The following is an entry in ClinVar:

ClinVar aggregate classification (germline): Uncertain significance (1 of 4 stars; one submission).

Conditions:
Multiple gastrointestinal atresias. Also called: Multiple intestinal atresia; FAMILIAL INTESTINAL POLYATRESIA SYNDROME. Identifiers: Orphanet 2300, MedGen C0220744, MONDO:0009465.

Allele frequency attached by ClinVar (database versions not stated): gnomAD exomes 0.00001; ExAC 0.00003.
gnomAD v4.1: 22 of 1,613,370 alleles (0.0014%); highest among the groups gnomAD compares: South Asian, 0.023%; 1 homozygote.

Submission:

Labcorp Genetics (formerly Invitae), Labcorp
Classification: Uncertain significance for Multiple gastrointestinal atresias. Last evaluated: 2025-07-07. Review status: criteria provided, single submitter. Criteria: Invitae Variant Classification Sherloc (09022015). Collection method: clinical testing. Allele origin: germline.
Comment: This sequence change falls in intron 4 of the TTC7A gene. It does not directly change the encoded amino acid sequence of the TTC7A protein. It affects a nucleotide within the consensus splice site. This variant is present in population databases (rs765786418, gnomAD 0.02%), including at least one homozygous and/or hemizygous individual. This variant has not been reported in the literature in individuals affected with TTC7A-related conditions. ClinVar contains an entry for this variant (Variation ID: 2139849). Variants that disrupt the consensus splice site are a relatively common cause of aberrant splicing (PMID: 17576681, 9536098). Algorithms developed to predict the effect of sequence changes on RNA splicing suggest that this variant is not likely to affect RNA splicing. In summary, the available evidence is currently insufficient to determine the role of this variant in disease. Therefore, it has been classified as a Variant of Uncertain Significance.

Literature cited by the submitters: PubMed 17576681; PubMed 9536098.

NM_020458.4(TTC7A):c.648+3G>A

Genes: TTC7A (tetratricopeptide repeat domain 7A; plus strand), LOC126806211 (CDK7 strongly-dependent group 2 enhancer GRCh37_chr2:47201305-47202504; plus strand). Cytogenetic location: 2p21.
Variant type: single nucleotide variant.
Coding change: c.648+3G>A on transcript NM_020458.4 (MANE Select); 3 bases into the intron after coding-DNA position 648, G replaced by A.
Molecular consequence: intron variant.
Genome position (GRCh38, 1-based): chr2:46,975,106, G>A. VCF-style: chr2-46975106-G-A. GRCh37 (hg19) VCF-style: chr2-47202245-G-A.
Other names: c.546+3G>A (NM_001288953.2); c.648+3G>A (NM_001288951.2); c.-257+3G>A (NM_001288955.2).
Identifiers: ClinVar variation 2139849 (VCV002139849.3), dbSNP rs765786418, ClinGen allele CA1647280.